The following is an entry in ClinVar:

ClinVar aggregate classification (germline): Conflicting classifications of pathogenicity. Review status: criteria provided, conflicting classifications (1 of 4 stars). 2 submissions from 2 submitters: Pathogenic (1); Uncertain significance (1). Last evaluated 2024-11-24.

gnomAD v4.1: 1 of 1,613,800 alleles (0.000062%); highest among the groups gnomAD compares: Non-Finnish European, 0.000085%; no homozygotes.

Submissions (2):

GeneDx
Classification: Uncertain significance. Last evaluated: 2024-11-24. Review status: criteria provided, single submitter. Criteria: GeneDx Variant Classification Process June 2021. Collection method: clinical testing. Allele origin: germline. Affected: yes.
Comment: Not observed at significant frequency in large population cohorts (gnomAD); Nonsense variant predicted to result in protein truncation or nonsense mediated decay in a gene or region of a gene for which loss of function is not a well-established mechanism of disease; Has not been previously published as pathogenic or benign to our knowledge; Variants in candidate genes are classified as variants of uncertain significance in accordance with ACMG guidelines (PMID: 25741868)

Laboratoire Génétique Moléculaire, CHRU TOURS
Classification: Pathogenic. Last evaluated: 2024-02-26. Review status: criteria provided, single submitter. Criteria: ACMG Guidelines, 2015. Collection method: clinical testing. Allele origin: de novo. Affected: yes.
Comment: PVS1;PS2,PM2

Literature cited by the submitters: PubMed 36595458 (cited by Laboratoire Génétique Moléculaire, CHRU TOURS); PubMed 37434517 (cited by Laboratoire Génétique Moléculaire, CHRU TOURS); PubMed 34461323 (cited by Laboratoire Génétique Moléculaire, CHRU TOURS).

NM_024721.5(ZFHX4):c.5005G>T (p.Glu1669Ter)

Gene: ZFHX4 (zinc finger homeobox 4; plus strand). Cytogenetic location: 8q21.13.
Variant type: single nucleotide variant.
Coding change: c.5005G>T on transcript NM_024721.5 (MANE Select); coding-DNA position 5005, G replaced by T.
Protein change: p.Glu1669Ter; replaces glutamic acid 1669 with a stop codon.
Molecular consequence: nonsense.
Genome position (GRCh38, 1-based): chr8:76,851,926, G>T. VCF-style: chr8-76851926-G-T. GRCh37 (hg19) VCF-style: chr8-77764162-G-T.
Other names: c.4927G>T, p.Glu1643Ter (NM_001410934.1); c.5005G>T (NM_024721.4); short protein forms E1643*, E1669*.
Identifiers: ClinVar variation 3775010 (VCV003775010.2).